The following is an entry in ClinVar:

ClinVar aggregate classification (germline): Uncertain significance (1 of 4 stars; one submission).

Conditions:
Cardiovascular phenotype. Identifiers: MedGen CN230736.

gnomAD v4.1: 2 of 1,614,068 alleles (0.00012%); highest among the groups gnomAD compares: Non-Finnish European, 0.00017%; no homozygotes.

Submission:

Ambry Genetics
Classification: Uncertain significance for Cardiovascular phenotype. Last evaluated: 2022-01-11. Review status: criteria provided, single submitter. Criteria: Ambry Variant Classification Scheme 2023. Collection method: clinical testing. Allele origin: germline.
Comment: The p.G3835S variant (also known as c.11503G>A), located in coding exon 16 of the ALMS1 gene, results from a G to A substitution at nucleotide position 11503. The glycine at codon 3835 is replaced by serine, an amino acid with similar properties. This amino acid position is not well conserved in available vertebrate species. In addition, this alteration is predicted to be tolerated by in silico analysis. Since supporting evidence is limited at this time, the clinical significance of this alteration remains unclear.

NM_001378454.1(ALMS1):c.11500G>A (p.Gly3834Ser)

Gene: ALMS1 (ALMS1 centrosome and basal body associated protein; plus strand). Cytogenetic location: 2p13.1.
Variant type: single nucleotide variant.
Coding change: c.11500G>A on transcript NM_001378454.1 (MANE Select); coding-DNA position 11500, G replaced by A.
Protein change: p.Gly3834Ser; replaces glycine 3834 with serine.
Molecular consequence: missense variant.
Genome position (GRCh38, 1-based): chr2:73,573,377, G>A. VCF-style: chr2-73573377-G-A. GRCh37 (hg19) VCF-style: chr2-73800504-G-A.
Other names: c.11503G>A, p.Gly3835Ser (NM_015120.4); short protein forms G3835S, G3834S.
Identifiers: ClinVar variation 1733868 (VCV001733868.2), dbSNP rs768521637, ClinGen allele CA347290440.
Genomic context (GRCh38, chr2:73,573,377, plus strand): 5'-AACCAACAGAGGAGATACCTTGAGAAGCGGAGCAAACACAGCAAGAAAGTGCTGAATACA[G>A]GTCATCCCCTAGTGACTTCTGAGCACACCAGAAGGAGACACATCCAGGTACATGGCTACA-3'
Protein context (NP_001365383.1, residues 3824-3844): SKHSKKVLNT[Gly3834Ser]HPLVTSEHTR